The following is an entry in ClinVar:

NM_006269.2(RP1):c.2750A>G (p.Gln917Arg)

Gene: RP1 (RP1 axonemal microtubule associated; plus strand). Cytogenetic location: 8q12.1.
Variant type: single nucleotide variant.
Coding change: c.2750A>G on transcript NM_006269.2 (MANE Select); coding-DNA position 2750, A replaced by G.
Protein change: p.Gln917Arg; replaces glutamine 917 with arginine.
Molecular consequence: missense variant. On other transcripts: intron variant (1).
Genome position (GRCh38, 1-based): chr8:54,626,632, A>G. VCF-style: chr8-54626632-A-G. GRCh37 (hg19) VCF-style: chr8-55539192-A-G.
Other names: c.787+4344A>G (NM_001375654.1); c.2750A>G (NM_006269.1); short protein forms Q917R.
Identifiers: ClinVar variation 1051968 (VCV001051968.12), dbSNP rs1333399850, ClinGen allele CA370994540.
Genomic context (GRCh38, chr8:54,626,632, plus strand): 5'-CTTTGAAAAAACCTGATTTTCCTGAGGCTATTGCTCATCATTCAATTCAAAATTATATAC[A>G]GAGTTGGTTGCAGAACATAAATCCATATCCAACTTTAAAGCCTATAAAATCAGCTCCAGT-3'
Protein context (NP_006260.1, residues 907-927): IAHHSIQNYI[Gln917Arg]SWLQNINPYP

ClinVar aggregate classification (germline): Uncertain significance. Review status: criteria provided, multiple submitters, no conflicts (2 of 4 stars). 2 submissions from 2 submitters: Uncertain significance (2). Last evaluated 2022-08-31.

Conditions:
Inborn genetic diseases. Identifiers: MedGen C0950123, MeSH D030342.

Allele frequency attached by ClinVar (database versions not stated): gnomAD 0.00002 and 0.00003; TOPMed 0.00004.
gnomAD v4.1: 4 of 1,613,698 alleles (0.00025%); highest among the groups gnomAD compares: Admixed American, 0.0033%; no homozygotes.

Submissions (2):

Labcorp Genetics (formerly Invitae), Labcorp
Classification: Uncertain significance. Last evaluated: 2022-08-31. Review status: criteria provided, single submitter. Criteria: Invitae Variant Classification Sherloc (09022015). Collection method: clinical testing. Allele origin: germline.
Comment: In summary, the available evidence is currently insufficient to determine the role of this variant in disease. Therefore, it has been classified as a Variant of Uncertain Significance. Algorithms developed to predict the effect of missense changes on protein structure and function are either unavailable or do not agree on the potential impact of this missense change (SIFT: "Tolerated"; PolyPhen-2: "Possibly Damaging"; Align-GVGD: "Class C0"). ClinVar contains an entry for this variant (Variation ID: 1051968). This variant has not been reported in the literature in individuals affected with RP1-related conditions. This variant is not present in population databases (gnomAD no frequency). This sequence change replaces glutamine, which is neutral and polar, with arginine, which is basic and polar, at codon 917 of the RP1 protein (p.Gln917Arg).

Ambry Genetics
Classification: Uncertain significance for Inborn genetic diseases. Last evaluated: 2022-08-04. Review status: criteria provided, single submitter. Criteria: Ambry Variant Classification Scheme 2023. Collection method: clinical testing. Allele origin: germline.